The following is an entry in ClinVar:

NM_006941.4(SOX10):c.753G>A (p.Ser251=)

Genes: POLR2F (RNA polymerase II, I and III subunit F; plus strand), SOX10 (SRY-box transcription factor 10; minus strand). Cytogenetic location: 22q13.1.
Variant type: single nucleotide variant.
Coding change: c.753G>A on transcript NM_006941.4 (MANE Select); coding-DNA position 753, G replaced by A.
Protein change: p.Ser251=; no amino-acid change (serine 251 retained).
Molecular consequence: synonymous variant. On other transcripts: intron variant (3).
Genome position (GRCh38, 1-based): chr22:37,974,143, C>T on the plus strand (G>A on the coding strand, the complement: SOX10 is on the minus strand). VCF-style: chr22-37974143-C-T. GRCh37 (hg19) VCF-style: chr22-38370150-C-T.
Other names: c.*38+1833C>T (NM_001363825.1); c.293+6973C>T (NM_001301130.2, NM_001301131.2).
Identifiers: ClinVar variation 341617 (VCV000341617.83), dbSNP rs376907937, ClinGen allele CA10228593.

ClinVar aggregate classification (germline): Conflicting classifications of pathogenicity. Review status: criteria provided, conflicting classifications (1 of 4 stars). 8 submissions from 7 submitters: Uncertain significance (1); Benign (3); Likely benign (4). Last evaluated 2026-01-15.

Conditions:
Waardenburg syndrome. Also called: Waardenburg's syndrome. Identifiers: Orphanet 3440, MedGen C3266898, MONDO:0018094.
PCWH syndrome. Also called: WAARDENBURG-SHAH SYNDROME, NEUROLOGIC VARIANT. Identifiers: Orphanet 163746, MedGen C1836727, MONDO:0012198, OMIM 609136.

Allele frequency attached by ClinVar (database versions not stated): ESP Exome Variant Server 0.00015; TOPMed 0.00043; gnomAD 0.00033.
gnomAD v4.1: 641 of 1,611,248 alleles (0.04%); highest among the groups gnomAD compares: East Asian, 0.12%; no homozygotes.

Submissions (8):

Labcorp Genetics (formerly Invitae), Labcorp
Classification: Benign. Last evaluated: 2026-01-15. Review status: criteria provided, single submitter. Criteria: Invitae Variant Classification Sherloc (09022015). Collection method: clinical testing. Allele origin: germline.

CeGaT Center for Human Genetics Tuebingen
Classification: Likely benign. Last evaluated: 2025-03-01. Review status: criteria provided, single submitter. Criteria: CeGaT Center For Human Genetics Tuebingen Variant Classification Criteria Version 2. Collection method: clinical testing. Allele origin: germline. Affected: yes. Observed: 3 variant alleles.
Comment: SOX10: BP4, BP7

Blueprint Genetics
Classification: Likely benign. Last evaluated: 2024-11-19. Review status: criteria provided, single submitter. Criteria: ACMG Guidelines, 2015. Collection method: clinical testing. Allele origin: germline.

GeneDx
Classification: Likely benign. Last evaluated: 2020-07-28. Review status: criteria provided, single submitter. Criteria: GeneDx Variant Classification Process June 2021. Collection method: clinical testing. Allele origin: germline. Affected: yes.

Illumina Laboratory Services, Illumina
Classification: Benign for Waardenburg syndrome. Last evaluated: 2018-01-12. Review status: criteria provided, single submitter. Criteria: ICSL Variant Classification Criteria 13 December 2019. Collection method: clinical testing. Allele origin: germline.
Comment: This variant was observed in the ICSL laboratory as part of a predisposition screen in an ostensibly healthy population. It had not been previously curated by ICSL or reported in the Human Gene Mutation Database (HGMD: prior to June 1st, 2018), and was therefore a candidate for classification through an automated scoring system. Utilizing variant allele frequency, disease prevalence and penetrance estimates, and inheritance mode, an automated score was calculated to assess if this variant is too frequent to cause the disease. Based on the score and internal cut-off values, a variant classified as benign is not then subjected to further curation. The score for this variant resulted in a classification of benign for this disease.

Illumina Laboratory Services, Illumina
Classification: Benign for PCWH syndrome. Last evaluated: 2018-01-12. Review status: criteria provided, single submitter. Criteria: ICSL Variant Classification Criteria 13 December 2019. Collection method: clinical testing. Allele origin: germline.
Comment: the same text as in the submission from Illumina Laboratory Services, Illumina above.

Eurofins Ntd Llc (ga)
Classification: Uncertain significance. Last evaluated: 2017-07-21. Review status: criteria provided, single submitter. Criteria: EGL Classification Definitions 2015. Collection method: clinical testing. Allele origin: germline. Observed: 1 variant allele, 1 heterozygote.

Laboratory for Molecular Medicine, Mass General Brigham Personalized Medicine
Classification: Likely benign. Last evaluated: 2017-03-20. Review status: criteria provided, single submitter. Criteria: LMM Criteria. Collection method: clinical testing. Allele origin: germline. Observed: 1 variant allele.
Comment: p.Ser251Ser in exon 4 of SOX10: This variant is not expected to have clinical si gnificance because it does not alter an amino acid residue and is not located wi thin the splice consensus sequence. This variant has been identified in 0.1% (13 /10124) of Ashkenazi Jewish chromosomes and 0.3% (59/18832) of East Asian chromo somes by the Genome Aggregation Database (gnomAD, rg; dbSNP rs376907937).